The following is an entry in ClinVar:

NM_018082.6(POLR3B):c.1324C>T (p.Arg442Cys)

Gene: POLR3B (RNA polymerase III subunit B; plus strand). Cytogenetic location: 12q23.3.
Variant type: single nucleotide variant.
Coding change: c.1324C>T on transcript NM_018082.6 (MANE Select); coding-DNA position 1324, C replaced by T.
Protein change: p.Arg442Cys; replaces arginine 442 with cysteine.
Molecular consequence: missense variant.
Genome position (GRCh38, 1-based): chr12:106,430,333, C>T. VCF-style: chr12-106430333-C-T. GRCh37 (hg19) VCF-style: chr12-106824111-C-T.
Other names: c.1150C>T, p.Arg384Cys (NM_001160708.2); short protein forms R384C, R442C.
Identifiers: ClinVar variation 1184085 (VCV001184085.8), dbSNP rs1442212683, ClinGen allele CA386389045.

ClinVar aggregate classification (germline): Conflicting classifications of pathogenicity. Review status: criteria provided, conflicting classifications (1 of 4 stars). 3 submissions from 3 submitters: Likely pathogenic (1); Uncertain significance (1). 1 of the submissions does not count toward it. Last evaluated 2026-10-01.

Conditions:
Leukodystrophy, hypomyelinating, 8, with or without oligodontia and/or hypogonadotropic hypogonadism. Also called: LEUKODYSTROPHY, HYPOMYELINATING, 8, WITH HYPODONTIA AND HYPOGONADOTROPIC HYPOGONADISM; Hypomyelinating leukodystrophy 8 with or without oligodontia and-or hypogonadotropic hypogonadism; Endosteal sclerosis-cerebellar hypoplasia syndrome. Identifiers: Orphanet 85186, Orphanet 88637, MedGen C3280644, MONDO:0013722, OMIM 614381.
Charcot-Marie-Tooth disease, demyelinating, IIA 1I. Also called: CHARCOT-MARIE-TOOTH NEUROPATHY, TYPE 1I; Charcot-Marie-Tooth disease, demyelinating, type 1I. Identifiers: MedGen C5676914, MONDO:0030677, OMIM 619742.

Allele frequency attached by ClinVar (database versions not stated): gnomAD exomes 0.00001; gnomAD 0.00001.
gnomAD v4.1: 10 of 1,613,928 alleles (0.00062%); highest among the groups gnomAD compares: African/African-American, 0.0013%; no homozygotes.

Submissions (3):

GeneDx
Classification: Likely pathogenic. Last evaluated: 2026-10-01. Review status: criteria provided, single submitter. Criteria: GeneDx Variant Classification Process June 2021. Collection method: clinical testing. Allele origin: germline.
Comment: Reported in patient(s) with findings of hypomyelinating leukodystrophy who also harbored a second pathogenic POLR3B variant, phase unknown (PMID: 23355746, 25339210, 37197783); Not observed at significant frequency in large population cohorts (gnomAD); In silico analysis supports that this missense variant has a deleterious effect on protein structure/function; This variant is associated with the following publications: (PMID: 25339210, 36451185, 37197783, 23355746)

Molecular Diagnostics Lab, Nemours Children's Health, Delaware
Classification: Uncertain significance for Charcot-Marie-Tooth disease, demyelinating, IIA 1I. Last evaluated: 2020-12-22. Review status: criteria provided, single submitter. Criteria: ACMG Guidelines, 2015. Collection method: clinical testing. Allele origin: unknown. Inheritance: Autosomal recessive inheritance. Affected: yes. Observed: 4 compound heterozygotes. Clinical features observed: Cerebellar hypoplasia (HP:0006806), Pelvic kidney (HP:0000125), Motor delay (HP:0001270), Nystagmus (HP:0000639), Tremor (HP:0001337), Titubation (HP:0030187), Hypodontia (HP:0000668).
Comment: This missense variant (c.1324C>T, p.Arg442Cys) has not been observed in population databases (gnomAD) but it has been reported in the literature (PMID 23355746). The change was found in two unrelated individuals who are both also heterozygous for c.1568T>A (p.Val523Glu, likely pathogenic), although no parental studies were performed.

GeneReviews
No classification provided. Condition: Leukodystrophy, hypomyelinating, 8, with or without oligodontia and/or hypogonadotropic hypogonadism. Review status: no classification provided. Collection method: literature only. Allele origin: germline. Not counted in ClinVar's aggregate classification.

Literature cited by the submitters: PubMed 23355746 (cited by Molecular Diagnostics Lab, Nemours Children's Health, Delaware); PubMed 25339210 (cited by GeneReviews); PubMed 22855961 (cited by GeneReviews).